The following is an entry in ClinVar:

NM_000258.3(MYL3):c.342C>T (p.Phe114=)

Gene: MYL3 (myosin light chain 3; minus strand). Cytogenetic location: 3p21.31.
Variant type: single nucleotide variant.
Coding change: c.342C>T on transcript NM_000258.3 (MANE Select); coding-DNA position 342, C replaced by T.
Protein change: p.Phe114=; no amino-acid change (phenylalanine 114 retained).
Molecular consequence: synonymous variant.
Genome position (GRCh38, 1-based): chr3:46,859,614, G>A on the plus strand (C>T on the coding strand, the complement: MYL3 is on the minus strand). VCF-style: chr3-46859614-G-A. GRCh37 (hg19) VCF-style: chr3-46901104-G-A.
Other names: c.342C>T, p.Phe114= (NM_001406937.1, NM_001406938.1, NM_001406939.1); c.168C>T, p.Phe56= (NM_001406940.1, NM_001406941.1).
Identifiers: ClinVar variation 3401046 (VCV003401046.1).

ClinVar aggregate classification (germline): Uncertain significance (1 of 4 stars; one submission).

Conditions:
Cardiovascular phenotype. Identifiers: MedGen CN230736.

gnomAD v4.1: 2 of 1,614,086 alleles (0.00012%); highest among the groups gnomAD compares: African/African-American, 0.0027%; no homozygotes.

Submission:

Ambry Genetics
Classification: Uncertain significance for Cardiovascular phenotype. Last evaluated: 2024-12-02. Review status: criteria provided, single submitter. Criteria: Ambry Variant Classification Scheme 2023. Collection method: clinical testing. Allele origin: germline.
Comment: The c.342C>T variant (also known as p.F114F), located in coding exon 4 of the MYL3 gene, results from a C to T substitution at nucleotide position 342. This nucleotide substitution does not change the amino acid at codon 114. This nucleotide position is well conserved in available vertebrate species. In silico splice site analysis predicts that this alteration may result in the creation or strengthening of a novel splice acceptor site. Based on the available evidence, the clinical significance of this variant remains unclear.